The following is an entry in ClinVar:

ClinVar aggregate classification (germline): Benign/Likely benign. Review status: criteria provided, multiple submitters, no conflicts (2 of 4 stars). 4 submissions from 4 submitters: Benign (1); Likely benign (3). Last evaluated 2024-10-04.

Conditions:
Inborn genetic diseases. Identifiers: MedGen C0950123, MeSH D030342.

Allele frequency attached by ClinVar (database versions not stated): TOPMed below 0.00001; gnomAD 0.00005; 1000 Genomes Project 30x 0.00016; ExAC 0.00018; 1000 Genomes Project 0.00020.

Submissions (4):

Blueprint Genetics
Classification: Likely benign. Last evaluated: 2024-10-04. Review status: criteria provided, single submitter. Criteria: ACMG Guidelines, 2015. Collection method: clinical testing. Allele origin: germline.

Ambry Genetics
Classification: Likely benign for Inborn genetic diseases. Last evaluated: 2024-08-21. Review status: criteria provided, single submitter. Criteria: Ambry Variant Classification Scheme 2023. Collection method: clinical testing. Allele origin: germline.

Labcorp Genetics (formerly Invitae), Labcorp
Classification: Benign. Last evaluated: 2023-12-20. Review status: criteria provided, single submitter. Criteria: Invitae Variant Classification Sherloc (09022015). Collection method: clinical testing. Allele origin: germline.

CeGaT Center for Human Genetics Tuebingen
Classification: Likely benign. Last evaluated: 2022-10-01. Review status: criteria provided, single submitter. Criteria: CeGaT Center For Human Genetics Tuebingen Variant Classification Criteria Version 2. Collection method: clinical testing. Allele origin: germline. Affected: yes. Observed: 1 variant allele.
Comment: DDX41: BP4, BP7

NM_016222.4(DDX41):c.1203T>G (p.Ala401=)

Gene: DDX41 (DEAD-box helicase 41; minus strand). Cytogenetic location: 5q35.3.
Variant type: single nucleotide variant.
Coding change: c.1203T>G on transcript NM_016222.4 (MANE Select); coding-DNA position 1203, T replaced by G.
Protein change: p.Ala401=; no amino-acid change (alanine 401 retained).
Molecular consequence: synonymous variant.
Genome position (GRCh38, 1-based): chr5:177,513,380, A>C on the plus strand (T>G on the coding strand, the complement: DDX41 is on the minus strand). VCF-style: chr5-177513380-A-C. GRCh37 (hg19) VCF-style: chr5-176940381-A-C.
Other names: c.1203T>G (NM_016222.2); c.825T>G, p.Ala275= (NM_001321732.2, NM_001321830.2).
Identifiers: ClinVar variation 2656123 (VCV002656123.29), dbSNP rs556840837, ClinGen allele CA3584866.